The following is an entry in ClinVar:

NM_001690.4(ATP6V1A):c.1258C>T (p.Pro420Ser)

Gene: ATP6V1A (ATPase H+ transporting V1 subunit A; plus strand). Cytogenetic location: 3q13.31.
Variant type: single nucleotide variant.
Coding change: c.1258C>T on transcript NM_001690.4 (MANE Select); coding-DNA position 1258, C replaced by T.
Protein change: p.Pro420Ser; replaces proline 420 with serine.
Molecular consequence: missense variant.
Genome position (GRCh38, 1-based): chr3:113,795,907, C>T. VCF-style: chr3-113795907-C-T. GRCh37 (hg19) VCF-style: chr3-113514754-C-T.
Other names: short protein forms P420S.
Identifiers: ClinVar variation 2818601 (VCV002818601.3), dbSNP rs2549724285, ClinGen allele CA354019161.

ClinVar aggregate classification (germline): Uncertain significance (1 of 4 stars; one submission).

Submission:

Labcorp Genetics (formerly Invitae), Labcorp
Classification: Uncertain significance. Last evaluated: 2023-12-30. Review status: criteria provided, single submitter. Criteria: Invitae Variant Classification Sherloc (09022015). Collection method: clinical testing. Allele origin: germline.
Comment: This sequence change replaces proline, which is neutral and non-polar, with serine, which is neutral and polar, at codon 420 of the ATP6V1A protein (p.Pro420Ser). This variant is not present in population databases (gnomAD no frequency). This variant has not been reported in the literature in individuals affected with ATP6V1A-related conditions. Advanced modeling of protein sequence and biophysical properties (such as structural, functional, and spatial information, amino acid conservation, physicochemical variation, residue mobility, and thermodynamic stability) has been performed at Invitae for this missense variant, however the output from this modeling did not meet the statistical confidence thresholds required to predict the impact of this variant on ATP6V1A protein function. In summary, the available evidence is currently insufficient to determine the role of this variant in disease. Therefore, it has been classified as a Variant of Uncertain Significance.